The following is an entry in ClinVar:

ClinVar aggregate classification (germline): Uncertain significance (1 of 4 stars; one submission).

Conditions:
NOTCH2-related disorder. Also called: NOTCH2-related condition.

Submission:

PreventionGenetics, part of Exact Sciences
Classification: Uncertain significance for NOTCH2-related condition. Last evaluated: 2026-07-01. Review status: criteria provided, single submitter. Criteria: ACMG Guidelines, 2015. Collection method: clinical testing. Allele origin: germline.
Comment: The NOTCH2 c.3338G>A variant is predicted to result in the amino acid substitution p.Gly1113Asp. To our knowledge, this variant has not been reported in the literature or in a large population database (gnomAD), indicating this variant is rare. At this time, the clinical significance of this variant is uncertain due to the absence of conclusive functional and genetic evidence.

NM_024408.4(NOTCH2):c.3338G>A (p.Gly1113Asp)

Gene: NOTCH2 (notch receptor 2; minus strand). Cytogenetic location: 1p12.
Variant type: single nucleotide variant.
Coding change: c.3338G>A on transcript NM_024408.4 (MANE Select); coding-DNA position 3338, G replaced by A.
Protein change: p.Gly1113Asp; replaces glycine 1113 with aspartic acid.
Molecular consequence: missense variant.
Genome position (GRCh38, 1-based): chr1:119,937,466, C>T on the plus strand (G>A on the coding strand, the complement: NOTCH2 is on the minus strand). VCF-style: chr1-119937466-C-T. GRCh37 (hg19) VCF-style: chr1-120480089-C-T.
Other names: c.3338G>A, p.Gly1113Asp (NM_001200001.2); short protein forms G1113D.
Identifiers: ClinVar variation 5000808 (VCV005000808.1).